The following is an entry in ClinVar:

NM_001372.4(DNAH9):c.802C>G (p.Gln268Glu)

Gene: DNAH9 (dynein axonemal heavy chain 9; plus strand). Cytogenetic location: 17p12.
Variant type: single nucleotide variant.
Coding change: c.802C>G on transcript NM_001372.4 (MANE Select); coding-DNA position 802, C replaced by G.
Protein change: p.Gln268Glu; replaces glutamine 268 with glutamic acid.
Molecular consequence: missense variant.
Genome position (GRCh38, 1-based): chr17:11,611,678, C>G. VCF-style: chr17-11611678-C-G. GRCh37 (hg19) VCF-style: chr17-11514995-C-G.
Other names: short protein forms Q268E.
Identifiers: ClinVar variation 4796995 (VCV004796995.1).

ClinVar aggregate classification (germline): Uncertain significance (1 of 4 stars; one submission).

gnomAD v4.1: 16 of 1,613,806 alleles (0.00099%); highest among the groups gnomAD compares: African/African-American, 0.021%; no homozygotes.

Submission:

Labcorp Genetics (formerly Invitae), Labcorp
Classification: Uncertain significance. Last evaluated: 2025-11-23. Review status: criteria provided, single submitter. Criteria: Invitae Variant Classification Sherloc (09022015). Collection method: clinical testing. Allele origin: germline.
Comment: This sequence change replaces glutamine, which is neutral and polar, with glutamic acid, which is acidic and polar, at codon 268 of the DNAH9 protein (p.Gln268Glu). This variant is present in population databases (rs148200453, gnomAD 0.02%). This variant has not been reported in the literature in individuals affected with DNAH9-related conditions. An algorithm developed to predict the effect of missense changes on protein structure and function (PolyPhen-2) suggests that this variant is likely to be disruptive. In summary, the available evidence is currently insufficient to determine the role of this variant in disease. Therefore, it has been classified as a Variant of Uncertain Significance.